The following is an entry in ClinVar:

ClinVar aggregate classification (germline): Uncertain significance (1 of 4 stars; one submission).

Conditions:
Episodic ataxia type 1 (EA1). Also called: ATAXIA, EPISODIC, WITH MYOKYMIA; Episodic ataxia/myokymia syndrome; MYOKYMIA WITH PERIODIC ATAXIA; PAROXYSMAL ATAXIA WITH NEUROMYOTONIA, HEREDITARY. Identifiers: Orphanet 37612, Orphanet 972, MedGen C1719788, MONDO:0008047, OMIM 160120.

Allele frequency attached by ClinVar (database versions not stated): gnomAD exomes below 0.00001.

Submission:

Labcorp Genetics (formerly Invitae), Labcorp
Classification: Uncertain significance for Episodic ataxia type 1. Last evaluated: 2023-08-20. Review status: criteria provided, single submitter. Criteria: Invitae Variant Classification Sherloc (09022015). Collection method: clinical testing. Allele origin: germline.
Comment: In summary, the available evidence is currently insufficient to determine the role of this variant in disease. Therefore, it has been classified as a Variant of Uncertain Significance. Advanced modeling of protein sequence and biophysical properties (such as structural, functional, and spatial information, amino acid conservation, physicochemical variation, residue mobility, and thermodynamic stability) performed at Invitae indicates that this missense variant is not expected to disrupt KCNA1 protein function. This variant has not been reported in the literature in individuals affected with KCNA1-related conditions. This variant is present in population databases (no rsID available, gnomAD 0.01%). This sequence change replaces proline, which is neutral and non-polar, with serine, which is neutral and polar, at codon 143 of the KCNA1 protein (p.Pro143Ser).

NM_000217.3(KCNA1):c.427C>T (p.Pro143Ser)

Gene: KCNA1 (potassium voltage-gated channel subfamily A member 1; plus strand). Cytogenetic location: 12p13.32.
Variant type: single nucleotide variant.
Coding change: c.427C>T on transcript NM_000217.3 (MANE Select); coding-DNA position 427, C replaced by T.
Protein change: p.Pro143Ser; replaces proline 143 with serine.
Molecular consequence: missense variant.
Genome position (GRCh38, 1-based): chr12:4,911,805, C>T. VCF-style: chr12-4911805-C-T. GRCh37 (hg19) VCF-style: chr12-5020971-C-T.
Other names: short protein forms P143S.
Identifiers: ClinVar variation 2966424 (VCV002966424.3), dbSNP rs1192462176, ClinGen allele CA383454542.
Genomic context (GRCh38, chr12:4,911,805, plus strand): 5'-GGCGAGGAGGCCATGGAGAAGTTCCGGGAGGACGAGGGCTTCATCAAGGAGGAGGAGCGC[C>T]CTCTGCCCGAGAAGGAGTACCAGCGCCAGGTGTGGCTGCTCTTCGAGTACCCCGAGAGCT-3'
Protein context (NP_000208.2, residues 133-153): DEGFIKEEER[Pro143Ser]LPEKEYQRQV